The following is an entry in ClinVar:

ClinVar aggregate classification (germline): Likely benign (0 of 4 stars; one submission).

Conditions:
CADPS-related disorder. Also called: CADPS-related condition.

Allele frequency attached by ClinVar (database versions not stated): gnomAD 0.00003; TOPMed 0.00005; ExAC 0.00009.
gnomAD v4.1: 48 of 1,612,574 alleles (0.003%); highest among the groups gnomAD compares: Admixed American, 0.032%; no homozygotes.

Submission:

PreventionGenetics, part of Exact Sciences
Classification: Likely benign for CADPS-related condition. Last evaluated: 2022-03-08. Review status: no assertion criteria provided. Collection method: clinical testing. Allele origin: germline.
Comment: This variant is classified as likely benign based on ACMG/AMP sequence variant interpretation guidelines (Richards et al. 2015 PMID: 25741868, with internal and published modifications).

NM_003716.4(CADPS):c.2736G>A (p.Ala912=)

Gene: CADPS (calcium dependent secretion activator; minus strand). Cytogenetic location: 3p14.2.
Variant type: single nucleotide variant.
Coding change: c.2736G>A on transcript NM_003716.4 (MANE Select); coding-DNA position 2736, G replaced by A.
Protein change: p.Ala912=; no amino-acid change (alanine 912 retained).
Molecular consequence: synonymous variant.
Genome position (GRCh38, 1-based): chr3:62,492,438, C>T on the plus strand (G>A on the coding strand, the complement: CADPS is on the minus strand). VCF-style: chr3-62492438-C-T. GRCh37 (hg19) VCF-style: chr3-62478113-C-T.
Other names: c.2646G>A, p.Ala882= (NM_183393.3); c.2766G>A, p.Ala922= (NM_183394.3).
Identifiers: ClinVar variation 3051397 (VCV003051397.2), dbSNP rs774402470, ClinGen allele CA2476556.